The following is an entry in ClinVar:

NM_003458.4(BSN):c.3575T>C (p.Met1192Thr)

Gene: BSN (bassoon presynaptic cytomatrix protein; plus strand). Cytogenetic location: 3p21.31.
Variant type: single nucleotide variant.
Coding change: c.3575T>C on transcript NM_003458.4 (MANE Select); coding-DNA position 3575, T replaced by C.
Protein change: p.Met1192Thr; replaces methionine 1192 with threonine.
Molecular consequence: missense variant.
Genome position (GRCh38, 1-based): chr3:49,653,131, T>C. VCF-style: chr3-49653131-T-C. GRCh37 (hg19) VCF-style: chr3-49690564-T-C.
Other names: short protein forms M1192T.
Identifiers: ClinVar variation 3029001 (VCV003029001.2), dbSNP rs1164870159, ClinGen allele CA352811751.

ClinVar aggregate classification (germline): Uncertain significance (0 of 4 stars; one submission).

Conditions:
BSN-related disorder. Also called: BSN-related condition.

Submission:

PreventionGenetics, part of Exact Sciences
Classification: Uncertain significance for BSN-related condition. Last evaluated: 2023-12-01. Review status: no assertion criteria provided. Collection method: clinical testing. Allele origin: germline.
Comment: The BSN c.3575T>C variant is predicted to result in the amino acid substitution p.Met1192Thr. To our knowledge, this variant has not been reported in the literature or in a large population database, indicating this variant is rare. At this time, the clinical significance of this variant is uncertain due to the absence of conclusive functional and genetic evidence.